The following is an entry in ClinVar:

NM_005245.4(FAT1):c.13042C>A (p.Leu4348Ile)

Gene: FAT1 (FAT atypical cadherin 1; minus strand). Cytogenetic location: 4q35.2.
Variant type: single nucleotide variant.
Coding change: c.13042C>A on transcript NM_005245.4 (MANE Select); coding-DNA position 13042, C replaced by A.
Protein change: p.Leu4348Ile; replaces leucine 4348 with isoleucine.
Molecular consequence: missense variant.
Genome position (GRCh38, 1-based): chr4:186,595,785, G>T on the plus strand (C>A on the coding strand, the complement: FAT1 is on the minus strand). VCF-style: chr4-186595785-G-T. GRCh37 (hg19) VCF-style: chr4-187516939-G-T.
Other names: short protein forms L4348I.
Identifiers: ClinVar variation 1050494 (VCV001050494.16), dbSNP rs80120846, ClinGen allele CA3164676.

ClinVar aggregate classification (germline): Benign/Likely benign. Review status: criteria provided, multiple submitters, no conflicts (2 of 4 stars). 6 submissions from 6 submitters: Benign (1); Likely benign (3). 2 of the submissions do not count toward it. Last evaluated 2026-03-01.

Conditions:
FAT1-related disorder. Also called: FAT1-related condition.

Allele frequency attached by ClinVar (database versions not stated): gnomAD exomes 0.00043 and 0.00109; ExAC 0.00132; ESP Exome Variant Server 0.00382; gnomAD 0.00430 and 0.00467; TOPMed 0.00494; 1000 Genomes Project 30x 0.00578; 1000 Genomes Project 0.00839.
gnomAD v4.1: 1,307 of 1,613,976 alleles (0.081%); highest among the groups gnomAD compares: African/African-American, 1.6%; 6 homozygotes.

Submissions (6):

CeGaT Center for Human Genetics Tuebingen
Classification: Likely benign. Last evaluated: 2026-03-01. Review status: criteria provided, single submitter. Criteria: CeGaT Center For Human Genetics Tuebingen Variant Classification Criteria Version 2. Collection method: clinical testing. Allele origin: germline. Affected: yes. Observed: 1 variant allele.
Comment: FAT1: BP4, BS1

Labcorp Genetics (formerly Invitae), Labcorp
Classification: Benign. Last evaluated: 2026-01-06. Review status: criteria provided, single submitter. Criteria: Invitae Variant Classification Sherloc (09022015). Collection method: clinical testing. Allele origin: germline.

GeneDx
Classification: Likely benign. Last evaluated: 2020-03-11. Review status: criteria provided, single submitter. Criteria: GeneDx Variant Classification Process June 2021. Collection method: clinical testing. Allele origin: germline. Affected: yes.

Breakthrough Genomics
Classification: Likely benign. Review status: criteria provided, single submitter. Criteria: ACMG Guidelines, 2015. Collection method: not provided. Allele origin: germline. Inheritance: Unknown mechanism. Affected: yes.

PreventionGenetics, part of Exact Sciences
Classification: Benign for FAT1-related condition. Last evaluated: 2019-07-08. Review status: no assertion criteria provided. Collection method: clinical testing. Allele origin: germline. Not counted in ClinVar's aggregate classification.
Comment: This variant is classified as benign based on ACMG/AMP sequence variant interpretation guidelines (Richards et al. 2015 PMID: 25741868, with internal and published modifications).

Department of Pathology and Laboratory Medicine, Sinai Health System
Classification: Likely benign. Review status: no assertion criteria provided. Collection method: clinical testing. Allele origin: unknown. Affected: yes. Study: The Canadian Open Genetics Repository (COGR). Not counted in ClinVar's aggregate classification.
Comment: The FAT1 p.Leu4348Ile variant was not identified in the literature nor was it identified in ClinVar or Cosmic. The variant was identified in dbSNP (ID: rs80120846) and LOVD 3.0. The variant was identified in control databases in 418 of 280648 chromosomes (3 homozygous) at a frequency of 0.001489 increasing the likelihood this could be a low frequency benign variant (Genome Aggregation Database March 6, 2019, v2.1.1). The variant was observed in the following populations: African in 398 of 24184 chromosomes (freq: 0.01646), Latino in 15 of 35376 chromosomes (freq: 0.000424), Other in 3 of 7140 chromosomes (freq: 0.00042), South Asian in 1 of 30602 chromosomes (freq: 0.000033) and European (non-Finnish) in 1 of 128438 chromosomes (freq: 0.000008), but was not observed in the Ashkenazi Jewish, East Asian, or European (Finnish) populations. The p.Leu4348 residue is conserved in mammals however four of five computational analyses (PolyPhen-2, SIFT, AlignGVGD, BLOSUM, MutationTaster) do not suggest an impact to the protein. The variant occurs outside of the splicing consensus sequence and in silico or computational prediction software programs (SpliceSiteFinder, MaxEntScan, NNSPLICE, GeneSplicer) do not predict a difference in splicing. In summary, based on the above information the clinical significance of this variant cannot be determined with certainty at this time although we would lean towards a more benign role for this variant. This variant is classified as likely benign.